The following is an entry in ClinVar:

NM_002470.4(MYH3):c.2846C>G (p.Ser949Ter)

Gene: MYH3 (myosin heavy chain 3; minus strand). Cytogenetic location: 17p13.1.
Variant type: single nucleotide variant.
Coding change: c.2846C>G on transcript NM_002470.4 (MANE Select); coding-DNA position 2846, C replaced by G.
Protein change: p.Ser949Ter; replaces serine 949 with a stop codon.
Molecular consequence: nonsense.
Genome position (GRCh38, 1-based): chr17:10,639,639, G>C on the plus strand (C>G on the coding strand, the complement: MYH3 is on the minus strand). VCF-style: chr17-10639639-G-C. GRCh37 (hg19) VCF-style: chr17-10542956-G-C.
Other names: short protein forms S949*.
Identifiers: ClinVar variation 3630772 (VCV003630772.2).

ClinVar aggregate classification (germline): Pathogenic (1 of 4 stars; one submission).

Submission:

Labcorp Genetics (formerly Invitae), Labcorp
Classification: Pathogenic. Last evaluated: 2024-05-27. Review status: criteria provided, single submitter. Criteria: Invitae Variant Classification Sherloc (09022015). Collection method: clinical testing. Allele origin: germline.
Comment: This sequence change creates a premature translational stop signal (p.Ser949*) in the MYH3 gene. It is expected to result in an absent or disrupted protein product. Loss-of-function variants in MYH3 are known to be pathogenic (PMID: 29805041, 30008475). This variant is not present in population databases (gnomAD no frequency). This variant has not been reported in the literature in individuals affected with MYH3-related conditions. For these reasons, this variant has been classified as Pathogenic.

Literature cited by the submitters: PubMed 29805041; PubMed 30008475.